The following is an entry in ClinVar:

NM_004281.4(BAG3):c.1240G>A (p.Glu414Lys)

Gene: BAG3 (BAG cochaperone 3; plus strand). Cytogenetic location: 10q26.11.
Variant type: single nucleotide variant.
Coding change: c.1240G>A on transcript NM_004281.4 (MANE Select); coding-DNA position 1240, G replaced by A.
Protein change: p.Glu414Lys; replaces glutamic acid 414 with lysine.
Molecular consequence: missense variant.
Genome position (GRCh38, 1-based): chr10:119,676,794, G>A. VCF-style: chr10-119676794-G-A. GRCh37 (hg19) VCF-style: chr10-121436306-G-A.
Other names: short protein forms E414K.
Identifiers: ClinVar variation 162784 (VCV000162784.73), dbSNP rs117749531, ClinGen allele CA175310.

ClinVar aggregate classification (germline): Conflicting classifications of pathogenicity. Review status: criteria provided, conflicting classifications (1 of 4 stars). 14 submissions from 13 submitters: Uncertain significance (2); Benign (5); Likely benign (4). 3 of the submissions do not count toward it. Last evaluated 2026-08-01.

Conditions:
Cardiovascular phenotype. Identifiers: MedGen CN230736.
Myofibrillar myopathy 6. Identifiers: Orphanet 199340, MedGen C2751831, MONDO:0013061, OMIM 612954.
Dilated cardiomyopathy 1HH (CMD1HH). Identifiers: Orphanet 154, MedGen C3151293, MONDO:0013479, OMIM 613881.
Long QT syndrome (LQTS). Identifiers: MedGen C0023976, MeSH D008133, MONDO:0002442. Disease mechanism: loss of function. Inheritance: Various modes of inheritance.

Allele frequency attached by ClinVar (database versions not stated): 1000 Genomes Project 30x 0.00016; 1000 Genomes Project 0.00020; gnomAD exomes 0.00020 and 0.00035; ESP Exome Variant Server 0.00023; TOPMed 0.00023; gnomAD 0.00024 and 0.00025; ExAC 0.00031.
gnomAD v4.1: 358 of 1,614,130 alleles (0.022%); highest among the groups gnomAD compares: Middle Eastern, 0.21%; 1 homozygote.

Submissions (14):

CeGaT Center for Human Genetics Tuebingen
Classification: Benign. Last evaluated: 2026-08-01. Review status: criteria provided, single submitter. Criteria: CeGaT Center For Human Genetics Tuebingen Variant Classification Criteria Version 2. Collection method: clinical testing. Allele origin: germline. Affected: yes. Observed: 15 variant alleles.
Comment: BAG3: BP4, BS1, BS2

Molecular Diagnostic Laboratory for Inherited Cardiovascular Disease, Montreal Heart Institute
Classification: Likely benign. Last evaluated: 2026-03-27. Review status: criteria provided, single submitter. Criteria: ACMG Guidelines, 2015. Collection method: clinical testing. Allele origin: germline. Affected: no.
Comment: BS1;BP4

Labcorp Genetics (formerly Invitae), Labcorp
Classification: Benign for Dilated cardiomyopathy 1HH; Myofibrillar myopathy 6. Last evaluated: 2026-02-03. Review status: criteria provided, single submitter. Criteria: Invitae Variant Classification Sherloc (09022015). Collection method: clinical testing. Allele origin: germline.

Blueprint Genetics
Classification: Likely benign. Last evaluated: 2024-10-23. Review status: criteria provided, single submitter. Criteria: ACMG Guidelines, 2015. Collection method: clinical testing. Allele origin: germline.

Women's Health and Genetics/Laboratory Corporation of America, LabCorp
Classification: Benign. Last evaluated: 2024-10-07. Review status: criteria provided, single submitter. Criteria: LabCorp Variant Classification Summary - May 2015. Collection method: clinical testing. Allele origin: germline.
Comment: Variant summary: BAG3 c.1240G>A (p.Glu414Lys) results in a conservative amino acid change in the encoded protein sequence. Five of five in-silico tools predict a benign effect of the variant on protein function. The variant allele was found at a frequency of 0.00033 in 282702 control chromosomes, including 1 homozygote. The observed variant frequency is approximately 8-fold of the estimated maximal expected allele frequency for a pathogenic variant in BAG3 causing Dilated Cardiomyopathy phenotype (3.9e-05). A variant, reported as BAG3 G414K (correctly name should be E414K), was listed to be found in a cohort of patients affected with sporadic inclusion body myositis (Weihl_2015), however no supportive evidence for causality was provided. To our knowledge, no experimental evidence demonstrating its impact on protein function have been reported. ClinVar contains an entry for this variant (Variation ID: 162784). Based on the evidence outlined above, the variant was classified as benign.

Dept of Medical Biology, Uskudar University
Classification: Likely benign for Long QT syndrome. Last evaluated: 2024-01-08. Review status: criteria provided, single submitter. Criteria: Dept of Medical Biology Variant Classification. Collection method: research. Allele origin: maternal. Affected: yes. Observed: 1 variant allele.
Comment: Criteria: BS1, BP1

Ambry Genetics
Classification: Likely benign for Cardiovascular phenotype. Last evaluated: 2022-08-05. Review status: criteria provided, single submitter. Criteria: Ambry Variant Classification Scheme 2023. Collection method: clinical testing. Allele origin: germline.

GeneDx
Classification: Benign. Last evaluated: 2019-07-01. Review status: criteria provided, single submitter. Criteria: GeneDx Variant Classification Process June 2021. Collection method: clinical testing. Allele origin: germline. Affected: yes.
Comment: This variant is associated with the following publications: (PMID: 25617006)

Illumina Laboratory Services, Illumina
Classification: Benign for Myofibrillar myopathy 6. Last evaluated: 2018-01-12. Review status: criteria provided, single submitter. Criteria: ICSL Variant Classification Criteria 13 December 2019. Collection method: clinical testing. Allele origin: germline.
Comment: This variant was observed in the ICSL laboratory as part of a predisposition screen in an ostensibly healthy population. It had not been previously curated by ICSL or reported in the Human Gene Mutation Database (HGMD: prior to June 1st, 2018), and was therefore a candidate for classification through an automated scoring system. Utilizing variant allele frequency, disease prevalence and penetrance estimates, and inheritance mode, an automated score was calculated to assess if this variant is too frequent to cause the disease. Based on the score and internal cut-off values, a variant classified as benign is not then subjected to further curation. The score for this variant resulted in a classification of benign for this disease.

Illumina Laboratory Services, Illumina
Classification: Uncertain significance for Dilated cardiomyopathy 1HH. Last evaluated: 2018-01-12. Review status: criteria provided, single submitter. Criteria: ICSL Variant Classification Criteria 13 December 2019. Collection method: clinical testing. Allele origin: germline.

Laboratory for Molecular Medicine, Mass General Brigham Personalized Medicine
Classification: Uncertain significance. Last evaluated: 2014-08-27. Review status: criteria provided, single submitter. Criteria: LMM Criteria. Collection method: clinical testing. Allele origin: germline. Observed: 1 variant allele.
Comment: Variant classified as Uncertain Significance - Favor Benign. The Glu414Lys varia nt in BAG3 has not been previously reported in individuals with cardiomyopathy, but has been identified in 3/8600 European American chromosomes by the NHLBI Exo me Sequencing Project (dbSNP rs117749531). Gl utamic acid (Glu) at position 414 is not conserved in mammals or evolutionarily distant species, raising the possibility that a change at this position may be t olerated. Additional computational prediction tools suggest that this variant ma y not impact the protein, though this information is not predictive enough to ru le out pathogenicity. In summary, while the clinical significance of the Glu414L ys variant is uncertain, these data suggest that it is more likely to be benign.

Diagnostic Laboratory, Department of Genetics, University Medical Center Groningen
Classification: Likely benign. Review status: no assertion criteria provided. Collection method: clinical testing. Allele origin: germline. Affected: yes. Study: VKGL Data-share Consensus. Not counted in ClinVar's aggregate classification.

Genome Diagnostics Laboratory, University Medical Center Utrecht
Classification: Likely benign. Review status: no assertion criteria provided. Collection method: clinical testing. Allele origin: germline. Affected: yes. Study: VKGL Data-share Consensus. Not counted in ClinVar's aggregate classification.

Joint Genome Diagnostic Labs from Nijmegen and Maastricht, Radboudumc and MUMC+
Classification: Likely benign. Review status: no assertion criteria provided. Collection method: clinical testing. Allele origin: germline. Affected: yes. Study: VKGL Data-share Consensus. Not counted in ClinVar's aggregate classification.

Literature cited by the submitters: PubMed 25617006 (cited by Women's Health and Genetics/Laboratory Corporation of America, LabCorp and Ambry Genetics); PubMed 26512958 (cited by Ambry Genetics).